The following is an entry in ClinVar:

ClinVar aggregate classification (germline): Uncertain significance (1 of 4 stars; one submission).

Conditions:
Nephronophthisis 15 (NPHP15). Identifiers: Orphanet 3156, MedGen C3541853, MONDO:0013917, OMIM 614845.

Submission:

Labcorp Genetics (formerly Invitae), Labcorp
Classification: Uncertain significance for Nephronophthisis 15. Last evaluated: 2022-08-09. Review status: criteria provided, single submitter. Criteria: Invitae Variant Classification Sherloc (09022015). Collection method: clinical testing. Allele origin: germline.
Comment: This sequence change replaces glutamic acid, which is acidic and polar, with lysine, which is basic and polar, at codon 387 of the CEP164 protein (p.Glu387Lys). In summary, the available evidence is currently insufficient to determine the role of this variant in disease. Therefore, it has been classified as a Variant of Uncertain Significance. Algorithms developed to predict the effect of missense changes on protein structure and function (SIFT, PolyPhen-2, Align-GVGD) all suggest that this variant is likely to be tolerated. ClinVar contains an entry for this variant (Variation ID: 1464478). This variant has not been reported in the literature in individuals affected with CEP164-related conditions. This variant is not present in population databases (gnomAD no frequency).

NM_014956.5(CEP164):c.1159G>A (p.Glu387Lys)

Gene: CEP164 (centrosomal protein 164; plus strand). Cytogenetic location: 11q23.3.
Variant type: single nucleotide variant.
Coding change: c.1159G>A on transcript NM_014956.5 (MANE Select); coding-DNA position 1159, G replaced by A.
Protein change: p.Glu387Lys; replaces glutamic acid 387 with lysine.
Molecular consequence: missense variant.
Genome position (GRCh38, 1-based): chr11:117,373,757, G>A. VCF-style: chr11-117373757-G-A. GRCh37 (hg19) VCF-style: chr11-117244473-G-A.
Other names: c.1159G>A, p.Glu387Lys (NM_001271933.2); short protein forms E387K.
Identifiers: ClinVar variation 1464478 (VCV001464478.6), dbSNP rs2135971658, ClinGen allele CA382739141.